The following is an entry in ClinVar:

ClinVar aggregate classification (germline): Uncertain significance (1 of 4 stars; one submission).

Submission:

CeGaT Center for Human Genetics Tuebingen
Classification: Uncertain significance. Last evaluated: 2023-08-01. Review status: criteria provided, single submitter. Criteria: CeGaT Center For Human Genetics Tuebingen Variant Classification Criteria Version 2. Collection method: clinical testing. Allele origin: germline. Affected: yes. Observed: 1 variant allele.
Comment: CDH23: PM2, PM3:Supporting

NM_022124.6(CDH23):c.5131G>T (p.Val1711Phe)

Gene: CDH23 (cadherin related 23; plus strand). Cytogenetic location: 10q22.1.
Variant type: single nucleotide variant.
Coding change: c.5131G>T on transcript NM_022124.6 (MANE Select); coding-DNA position 5131, G replaced by T.
Protein change: p.Val1711Phe; replaces valine 1711 with phenylalanine.
Molecular consequence: missense variant.
Genome position (GRCh38, 1-based): chr10:71,778,252, G>T. VCF-style: chr10-71778252-G-T. GRCh37 (hg19) VCF-style: chr10-73538009-G-T.
Other names: short protein forms V1711F.
Identifiers: ClinVar variation 2578616 (VCV002578616.25), dbSNP rs181611778, ClinGen allele CA377141017.